The following is an entry in ClinVar:

ClinVar aggregate classification (germline): Conflicting classifications of pathogenicity. Review status: criteria provided, conflicting classifications (1 of 4 stars). 9 submissions from 9 submitters: Uncertain significance (1); Benign (4); Likely benign (2). 2 of the submissions do not count toward it. Last evaluated 2026-02-02.

Conditions:
POLG-related disorder. Also called: POLG-Related Spectrum Disorders; POLG-related condition; POLG-Related Disorders. Identifiers: MedGen C4763519.
Progressive sclerosing poliodystrophy (MTDPS4A). Also called: Alpers Syndrome; ALPERS DIFFUSE DEGENERATION OF CEREBRAL GRAY MATTER WITH HEPATIC CIRRHOSIS; Alpers-Huttenlocher Syndrome; Mitochondrial DNA depletion syndrome 4A (Alpers type); Mitochondrial DNA Depletion Syndrome 4A; ALPERS PROGRESSIVE INFANTILE POLIODYSTROPHY. Identifiers: Orphanet 726, MedGen C0205710, MONDO:0008758, OMIM 203700.

Allele frequency attached by ClinVar (database versions not stated): 1000 Genomes Project 0.00040; 1000 Genomes Project 30x 0.00047; gnomAD 0.00126 and 0.00129; TOPMed 0.00131; gnomAD exomes 0.00153; ExAC 0.00176; ESP Exome Variant Server 0.00200.

Submissions (9):

Labcorp Genetics (formerly Invitae), Labcorp
Classification: Benign for Progressive sclerosing poliodystrophy. Last evaluated: 2026-02-02. Review status: criteria provided, single submitter. Criteria: Invitae Variant Classification Sherloc (09022015). Collection method: clinical testing. Allele origin: germline.

Mayo Clinic Laboratories, Mayo Clinic
Classification: Likely benign. Last evaluated: 2025-03-18. Review status: criteria provided, single submitter. Criteria: ACMG Guidelines, 2015. Collection method: clinical testing. Allele origin: germline. Observed: 2 variant alleles.
Comment: BS2, BP4, BP7

PreventionGenetics, part of Exact Sciences
Classification: Benign for POLG-related condition. Last evaluated: 2024-11-25. Review status: criteria provided, single submitter. Criteria: ACMG Guidelines, 2015. Collection method: clinical testing. Allele origin: germline.
Comment: This variant is classified as benign based on ACMG/AMP sequence variant interpretation guidelines (Richards et al. 2015 PMID: 25741868, with internal and published modifications).

Blueprint Genetics
Classification: Likely benign. Last evaluated: 2024-11-23. Review status: criteria provided, single submitter. Criteria: ACMG Guidelines, 2015. Collection method: clinical testing. Allele origin: germline.

Wong Mito Lab, Molecular and Human Genetics, Baylor College of Medicine
Classification: Benign for Progressive sclerosing poliodystrophy. Last evaluated: 2018-10-01. Review status: criteria provided, single submitter. Criteria: ACMG Guidelines, 2015. Collection method: clinical testing. Allele origin: germline.
Comment: The NM_002693.2:c.1585+11T>C (NP_002684.1:p.=) [GRCH38: NC_000015.10:g.89326901A>G] variant in POLG gene is interpretated to be a Benign based on ACMG guidelines (PMID: 25741868). This variant meets the following evidence codes reported in the ACMG-guideline. BS1:The minor allele frequency of this allele is high for Mitochondrial DNA depletion syndrome 4A (Alpers type). BS2:Observation of the variant in controls is inconsistent with penetrance of Mitochondrial DNA depletion syndrome 4A (Alpers type). BP4:Computational evidence/predictors indicate no impact on the POLG structure, function, or protein-protein interaction. Based on the evidence criteria codes applied, the variant is suggested to be Benign.

Illumina Laboratory Services, Illumina
Classification: Uncertain significance for POLG-Related Spectrum Disorders. Last evaluated: 2018-01-12. Review status: criteria provided, single submitter. Criteria: ICSL Variant Classification Criteria 13 December 2019. Collection method: clinical testing. Allele origin: germline.

GeneDx
Classification: Benign. Last evaluated: 2013-02-04. Review status: criteria provided, single submitter. Criteria: GeneDx Variant Classification (06012015). Collection method: clinical testing. Allele origin: germline. Affected: yes.
Comment: This variant is considered likely benign or benign based on one or more of the following criteria: it is a conservative change, it occurs at a poorly conserved position in the protein, it is predicted to be benign by multiple in silico algorithms, and/or has population frequency not consistent with disease.

Diagnostic Laboratory, Department of Genetics, University Medical Center Groningen
Classification: Likely benign. Review status: no assertion criteria provided. Collection method: clinical testing. Allele origin: germline. Affected: yes. Study: VKGL Data-share Consensus. Not counted in ClinVar's aggregate classification.

Genome Diagnostics Laboratory, University Medical Center Utrecht
Classification: Likely benign. Review status: no assertion criteria provided. Collection method: clinical testing. Allele origin: germline. Affected: yes. Study: VKGL Data-share Consensus. Not counted in ClinVar's aggregate classification.

NM_002693.3(POLG):c.1585+11T>C

Gene: POLG (DNA polymerase gamma, catalytic subunit; minus strand). Cytogenetic location: 15q26.1.
Variant type: single nucleotide variant.
Coding change: c.1585+11T>C on transcript NM_002693.3 (MANE Select); 11 bases into the intron after coding-DNA position 1585, T replaced by C.
Molecular consequence: intron variant.
Genome position (GRCh38, 1-based): chr15:89,326,901, A>G on the plus strand (T>C on the coding strand, the complement: POLG is on the minus strand). VCF-style: chr15-89326901-A-G. GRCh37 (hg19) VCF-style: chr15-89870132-A-G.
Other names: p.?; c.1585+11T>C (NM_001126131.2).
Identifiers: ClinVar variation 138776 (VCV000138776.20), dbSNP rs201566815, ClinGen allele CA292875.
Genomic context (GRCh38, chr15:89,326,901, plus strand): 5'-GACCCCCTCAATCACAGGACCTTCCCAGAGACAACCCCTACCCTACCCTACCTCCCACCC[A>G]TGCTCCCCACCTTCCTGATCCATGGGATCACCAGGGGCCCCAGCCCCCTCGATGGGCAAC-3'